The following is an entry in ClinVar:

NM_020975.6(RET):c.2954T>G (p.Leu985Arg)

Gene: RET (ret proto-oncogene; plus strand). Cytogenetic location: 10q11.21.
Variant type: single nucleotide variant.
Coding change: c.2954T>G on transcript NM_020975.6 (MANE Select); coding-DNA position 2954, T replaced by G.
Protein change: p.Leu985Arg; replaces leucine 985 with arginine.
Molecular consequence: missense variant.
Genome position (GRCh38, 1-based): chr10:43,124,897, T>G. VCF-style: chr10-43124897-T-G. GRCh37 (hg19) VCF-style: chr10-43620345-T-G.
Other names: c.2954T>G, p.Leu985Arg (NM_000323.2, NM_001406743.1, NM_001406744.1 and 4 more transcripts); c.2192T>G, p.Leu731Arg (NM_001355216.2); c.2825T>G, p.Leu942Arg (NM_001406761.1, NM_001406762.1, NM_001406764.1); c.2819T>G, p.Leu940Arg (NM_001406763.1, NM_001406765.1); c.2666T>G, p.Leu889Arg (NM_001406766.1, NM_001406767.1, NM_001406770.1); c.2690T>G, p.Leu897Arg (NM_001406768.1); c.2558T>G, p.Leu853Arg (NM_001406769.1, NM_001406772.1); c.2516T>G, p.Leu839Arg (NM_001406771.1, NM_001406773.1); and 10 more; short protein forms L985R, L731R, L550R, L590R, L686R, L743R, L810R, L897R.
Identifiers: ClinVar variation 1046535 (VCV001046535.15), dbSNP rs1240309421, ClinGen allele CA376558053.

ClinVar aggregate classification (germline): Uncertain significance. Review status: criteria provided, multiple submitters, no conflicts (2 of 4 stars). 3 submissions from 3 submitters: Uncertain significance (3). Last evaluated 2025-10-03.

Conditions:
Hereditary cancer-predisposing syndrome. Also called: Hereditary Cancer Syndrome; Tumor predisposition; Hereditary neoplastic syndrome; Neoplastic Syndromes, Hereditary. Identifiers: Orphanet 140162, MedGen C0027672, MeSH D009386, MONDO:0015356.
Multiple endocrine neoplasia, type 2 (MEN2). Identifiers: Orphanet 653, MedGen C4048306, MONDO:0019003. Disease mechanism: gain of function.

Allele frequency attached by ClinVar (database versions not stated): gnomAD exomes below 0.00001.

Submissions (3):

Ambry Genetics
Classification: Uncertain significance for Hereditary cancer-predisposing syndrome. Last evaluated: 2025-10-03. Review status: criteria provided, single submitter. Criteria: Ambry Variant Classification Scheme 2023. Collection method: clinical testing. Allele origin: germline.
Comment: The p.L985R variant (also known as c.2954T>G), located in coding exon 18 of the RET gene, results from a T to G substitution at nucleotide position 2954. The leucine at codon 985 is replaced by arginine, an amino acid with dissimilar properties. This alteration was not identified in a cohort of 64 patients with short-segment Hirschsprung disease but was detected in 1/498 controls (Tang CS et al. Gastroenterology, 2018 Dec;155:1908-1922.e5). This amino acid position is highly conserved in available vertebrate species. In addition, this alteration is predicted to be deleterious by in silico analysis. Based on the available evidence, the clinical significance of this variant remains unclear.

GeneDx
Classification: Uncertain significance. Last evaluated: 2023-12-03. Review status: criteria provided, single submitter. Criteria: GeneDx Variant Classification Process June 2021. Collection method: clinical testing. Allele origin: germline. Affected: yes.
Comment: Not observed at significant frequency in large population cohorts (gnomAD); In silico analysis supports that this missense variant does not alter protein structure/function; Observed in healthy controls and absent in cases in a study of Hirschsprung disease (PMID: 30217742); This variant is associated with the following publications: (PMID: 14633923, 30217742)

Labcorp Genetics (formerly Invitae), Labcorp
Classification: Uncertain significance for Multiple endocrine neoplasia, type 2. Last evaluated: 2023-01-30. Review status: criteria provided, single submitter. Criteria: Invitae Variant Classification Sherloc (09022015). Collection method: clinical testing. Allele origin: germline.
Comment: In summary, the available evidence is currently insufficient to determine the role of this variant in disease. Therefore, it has been classified as a Variant of Uncertain Significance. This sequence change replaces leucine, which is neutral and non-polar, with arginine, which is basic and polar, at codon 985 of the RET protein (p.Leu985Arg). This variant is present in population databases (no rsID available, gnomAD 0.006%). This variant has not been reported in the literature in individuals affected with RET-related conditions. ClinVar contains an entry for this variant (Variation ID: 1046535). Algorithms developed to predict the effect of missense changes on protein structure and function (SIFT, PolyPhen-2, Align-GVGD) all suggest that this variant is likely to be tolerated.

Literature cited by the submitters: PubMed 30217742 (cited by Ambry Genetics).